The following is an entry in ClinVar:

ClinVar aggregate classification (germline): Benign/Likely benign. Review status: criteria provided, multiple submitters, no conflicts (2 of 4 stars). 3 submissions from 3 submitters: Benign (1); Likely benign (2). Last evaluated 2025-12-08.

Allele frequency attached by ClinVar (database versions not stated): gnomAD 0.00001; gnomAD exomes 0.00005; 1000 Genomes Project 30x 0.00016; ExAC 0.00017.
gnomAD v4.1: 74 of 1,610,614 alleles (0.0046%); highest among the groups gnomAD compares: South Asian, 0.08%; 2 homozygotes.

Submissions (3):

Labcorp Genetics (formerly Invitae), Labcorp
Classification: Likely benign. Last evaluated: 2025-12-08. Review status: criteria provided, single submitter. Criteria: Invitae Variant Classification Sherloc (09022015). Collection method: clinical testing. Allele origin: germline.

Blueprint Genetics
Classification: Benign. Last evaluated: 2024-10-29. Review status: criteria provided, single submitter. Criteria: ACMG Guidelines, 2015. Collection method: clinical testing. Allele origin: germline.

CeGaT Center for Human Genetics Tuebingen
Classification: Likely benign. Last evaluated: 2023-02-01. Review status: criteria provided, single submitter. Criteria: CeGaT Center For Human Genetics Tuebingen Variant Classification Criteria Version 2. Collection method: clinical testing. Allele origin: germline. Affected: yes. Observed: 1 variant allele.
Comment: LAMA1: BP4, BP7

NM_005559.4(LAMA1):c.3588C>T (p.Tyr1196=)

Gene: LAMA1 (laminin subunit alpha 1; minus strand). Cytogenetic location: 18p11.31.
Variant type: single nucleotide variant.
Coding change: c.3588C>T on transcript NM_005559.4 (MANE Select); coding-DNA position 3588, C replaced by T.
Protein change: p.Tyr1196=; no amino-acid change (tyrosine 1196 retained).
Molecular consequence: synonymous variant.
Genome position (GRCh38, 1-based): chr18:7,011,399, G>A on the plus strand (C>T on the coding strand, the complement: LAMA1 is on the minus strand). VCF-style: chr18-7011399-G-A. GRCh37 (hg19) VCF-style: chr18-7011398-G-A.
Identifiers: ClinVar variation 2648549 (VCV002648549.28), dbSNP rs750526609, ClinGen allele CA8882225.